The following is an entry in ClinVar:

ClinVar aggregate classification (germline): Uncertain significance (1 of 4 stars; one submission).

Conditions:
Familial hemophagocytic lymphohistiocytosis 5. Also called: STXBP2-Related Familial Hemophagocytic Lymphohistiocytosis (STXBP2-fHLH). Identifiers: Orphanet 540, MedGen C2751293, MONDO:0013135, OMIM 613101.

Submission:

Labcorp Genetics (formerly Invitae), Labcorp
Classification: Uncertain significance for Familial hemophagocytic lymphohistiocytosis 5. Last evaluated: 2022-05-20. Review status: criteria provided, single submitter. Criteria: Invitae Variant Classification Sherloc (09022015). Collection method: clinical testing. Allele origin: germline.
Comment: This sequence change replaces glutamine, which is neutral and polar, with arginine, which is basic and polar, at codon 184 of the STXBP2 protein (p.Gln184Arg). This variant is not present in population databases (gnomAD no frequency). This variant has not been reported in the literature in individuals affected with STXBP2-related conditions. Algorithms developed to predict the effect of missense changes on protein structure and function (SIFT, PolyPhen-2, Align-GVGD) all suggest that this variant is likely to be tolerated. In summary, the available evidence is currently insufficient to determine the role of this variant in disease. Therefore, it has been classified as a Variant of Uncertain Significance.

NM_006949.4(STXBP2):c.551A>G (p.Gln184Arg)

Gene: STXBP2 (syntaxin binding protein 2; plus strand). Cytogenetic location: 19p13.2.
Variant type: single nucleotide variant.
Coding change: c.551A>G on transcript NM_006949.4 (MANE Select); coding-DNA position 551, A replaced by G.
Protein change: p.Gln184Arg; replaces glutamine 184 with arginine.
Molecular consequence: missense variant. On other transcripts: non-coding transcript variant (1).
Genome position (GRCh38, 1-based): chr19:7,641,826, A>G. VCF-style: chr19-7641826-A-G. GRCh37 (hg19) VCF-style: chr19-7706712-A-G.
Other names: c.542A>G, p.Gln181Arg (NM_001127396.3); c.584A>G, p.Gln195Arg (NM_001272034.2); c.455A>G, p.Gln152Arg (NM_001414484.1); short protein forms Q195R, Q152R, Q181R, Q184R.
Identifiers: ClinVar variation 1996928 (VCV001996928.4), dbSNP rs1244361477, ClinGen allele CA403158458.